The following is an entry in ClinVar:

NM_003072.5(SMARCA4):c.31A>G (p.Thr11Ala)

Gene: SMARCA4 (SWI/SNF related BAF chromatin remodeling complex subunit ATPase 4; plus strand). Cytogenetic location: 19p13.2.
Variant type: single nucleotide variant.
Coding change: c.31A>G on transcript NM_003072.5 (MANE Select); coding-DNA position 31, A replaced by G.
Protein change: p.Thr11Ala; replaces threonine 11 with alanine.
Molecular consequence: missense variant. On other transcripts: non-coding transcript variant (1).
Genome position (GRCh38, 1-based): chr19:10,984,182, A>G. VCF-style: chr19-10984182-A-G. GRCh37 (hg19) VCF-style: chr19-11094858-A-G.
Other names: c.31A>G, p.Thr11Ala (NM_001128844.3, NM_001128845.2, NM_001128846.2 and 5 more transcripts); short protein forms T11A.
Identifiers: ClinVar variation 408617 (VCV000408617.17), dbSNP rs1060502067, ClinGen allele CA16615864.

ClinVar aggregate classification (germline): Uncertain significance. Review status: criteria provided, multiple submitters, no conflicts (2 of 4 stars). 3 submissions from 3 submitters: Uncertain significance (3). Last evaluated 2025-09-08.

Conditions:
Hereditary cancer-predisposing syndrome. Also called: Hereditary Cancer Syndrome; Hereditary neoplastic syndrome; Neoplastic Syndromes, Hereditary; Tumor predisposition. Identifiers: Orphanet 140162, MedGen C0027672, MeSH D009386, MONDO:0015356.
Intellectual disability, autosomal dominant 16 (CSS4). Also called: COFFIN-SIRIS SYNDROME 4. Identifiers: Orphanet 1465, MedGen C3553249, MONDO:0013821, OMIM 614609.
Rhabdoid tumor predisposition syndrome 2 (RTPS2). Identifiers: Orphanet 231108, Orphanet 69077, MedGen C2750074, MONDO:0013224, OMIM 613325.

Allele frequency attached by ClinVar (database versions not stated): TOPMed 0.00001.

Submissions (3):

Labcorp Genetics (formerly Invitae), Labcorp
Classification: Uncertain significance for Rhabdoid tumor predisposition syndrome 2. Last evaluated: 2025-09-08. Review status: criteria provided, single submitter. Criteria: Invitae Variant Classification Sherloc (09022015). Collection method: clinical testing. Allele origin: germline.
Comment: This sequence change replaces threonine, which is neutral and polar, with alanine, which is neutral and non-polar, at codon 11 of the SMARCA4 protein (p.Thr11Ala). This variant is not present in population databases (gnomAD no frequency). This variant has not been reported in the literature in individuals affected with SMARCA4-related conditions. ClinVar contains an entry for this variant (Variation ID: 408617). Experimental studies and prediction algorithms are not available or were not evaluated, and the functional significance of this variant is currently unknown. In summary, the available evidence is currently insufficient to determine the role of this variant in disease. Therefore, it has been classified as a Variant of Uncertain Significance.

Ambry Genetics
Classification: Uncertain significance for Hereditary cancer-predisposing syndrome. Last evaluated: 2023-02-28. Review status: criteria provided, single submitter. Criteria: Ambry Variant Classification Scheme 2023. Collection method: clinical testing. Allele origin: germline.
Comment: The p.T11A variant (also known as c.31A>G), located in coding exon 1 of the SMARCA4 gene, results from an A to G substitution at nucleotide position 31. The threonine at codon 11 is replaced by alanine, an amino acid with similar properties. This amino acid position is well conserved in available vertebrate species. In addition, the in silico prediction for this alteration is inconclusive. Missense and in-frame variants in SMARCA4 are known to cause neurodevelopmental disorders; however, such associations with rhabdoid tumor predisposition syndrome including small cell carcinoma of the ovary-hypercalcemic type (SCCOHT) are exceedingly rare (Kosho T et al. Am J Med Genet C Semin Med Genet. 2014 Sep;166C(3):262-75; Jelinic P et al. Nat Genet. 2014 May;46(5):424-6). Based on the supporting evidence, the association of this alteration with Coffin-Siris syndrome is unknown; however, the association of this alteration with rhabdoid tumor predisposition syndrome is unlikely.

Genome-Nilou Lab
Classification: Uncertain significance for Intellectual disability, autosomal dominant 16. Last evaluated: 2021-07-15. Review status: criteria provided, single submitter. Criteria: ACMG Guidelines, 2015. Collection method: clinical testing. Allele origin: germline. Affected: no.